The following is an entry in ClinVar:

ClinVar aggregate classification (germline): Uncertain significance (1 of 4 stars; one submission).

Submission:

Ambry Genetics
Classification: Uncertain significance. Last evaluated: 2025-06-27. Review status: criteria provided, single submitter. Criteria: Ambry Variant Classification Scheme 2023. Collection method: clinical testing. Allele origin: germline.
Comment: The p.V1214A variant (also known as c.3641T>C), located in coding exon 15 of the WNK2 gene, results from a T to C substitution at nucleotide position 3641. The valine at codon 1214 is replaced by alanine, an amino acid with similar properties. This amino acid position is conserved. In addition, the in silico prediction for this alteration is inconclusive. Based on the available evidence, the clinical significance of this variant remains unclear.

NM_006648.4(WNK2):c.3641T>C (p.Val1214Ala)

Gene: WNK2 (WNK lysine deficient protein kinase 2; plus strand). Cytogenetic location: 9q22.31.
Variant type: single nucleotide variant.
Coding change: c.3641T>C on transcript NM_006648.4 (MANE Select); coding-DNA position 3641, T replaced by C.
Protein change: p.Val1214Ala; replaces valine 1214 with alanine.
Molecular consequence: missense variant.
Genome position (GRCh38, 1-based): chr9:93,263,978, T>C. VCF-style: chr9-93263978-T-C. GRCh37 (hg19) VCF-style: chr9-96026260-T-C.
Other names: c.3641T>C, p.Val1214Ala (NM_001282394.3); short protein forms V1214A.
Identifiers: ClinVar variation 4201566 (VCV004201566.1).